The following is an entry in ClinVar:

NM_001330260.2(SCN8A):c.64C>A (p.Leu22Met)

Genes: SCN8A (sodium voltage-gated channel alpha subunit 8; plus strand), LOC114803470 (SCN8A eExon liver enhancer; plus strand). Cytogenetic location: 12q13.13.
Variant type: single nucleotide variant.
Coding change: c.64C>A on transcript NM_001330260.2 (MANE Select); coding-DNA position 64, C replaced by A.
Protein change: p.Leu22Met; replaces leucine 22 with methionine.
Molecular consequence: missense variant.
Genome position (GRCh38, 1-based): chr12:51,662,881, C>A. VCF-style: chr12-51662881-C-A. GRCh37 (hg19) VCF-style: chr12-52056665-C-A.
Other names: c.64C>A, p.Leu22Met (NM_001177984.3, NM_001369788.1, NM_014191.4); short protein forms L22M.
Identifiers: ClinVar variation 3777613 (VCV003777613.1).
Genomic context (GRCh38, chr12:51,662,881, plus strand): 5'-GCAGCGCGGCTGCTTGCACCACCAGGCCCTGATAGTTTCAAGCCTTTCACCCCTGAGTCA[C>A]TGGCAAACATTGAGAGGCGCATTGCTGAGAGCAAGCTCAAGAAACCACCAAAGGCCGATG-3'
Protein context (NP_001317189.1, residues 12-32): DSFKPFTPES[Leu22Met]ANIERRIAES

ClinVar aggregate classification (germline): Uncertain significance (1 of 4 stars; one submission).

Submission:

GeneDx
Classification: Uncertain significance. Last evaluated: 2024-10-10. Review status: criteria provided, single submitter. Criteria: GeneDx Variant Classification Process June 2021. Collection method: clinical testing. Allele origin: germline. Affected: yes.
Comment: Not observed at significant frequency in large population cohorts (gnomAD); In silico analysis indicates that this missense variant does not alter protein structure/function; Has not been previously published as pathogenic or benign to our knowledge; This substitution is predicted to be within the N-terminal cytoplasmic domain